The following is an entry in ClinVar:

NM_007325.5(GRIA3):c.15G>A (p.Lys5=)

Gene: GRIA3 (glutamate ionotropic receptor AMPA type subunit 3; plus strand). Cytogenetic location: Xq25.
Variant type: single nucleotide variant.
Coding change: c.15G>A on transcript NM_007325.5 (MANE Select); coding-DNA position 15, G replaced by A.
Protein change: p.Lys5=; no amino-acid change (lysine 5 retained).
Molecular consequence: synonymous variant.
Genome position (GRCh38, 1-based): chrX:123,184,550, G>A. VCF-style: chrX-123184550-G-A. GRCh37 (hg19) VCF-style: chrX-122318402-G-A.
Other names: c.15G>A, p.Lys5= (NM_000828.5, NM_001256743.2).
Identifiers: ClinVar variation 129166 (VCV000129166.27), dbSNP rs61740996, ClinGen allele CA152999.

ClinVar aggregate classification (germline): Benign. Review status: criteria provided, multiple submitters, no conflicts (2 of 4 stars). 6 submissions from 6 submitters: Benign (5). 1 of the submissions does not count toward it. Last evaluated 2026-02-03.

Conditions:
Inborn genetic diseases. Identifiers: MedGen C0950123, MeSH D030342.

Allele frequency attached by ClinVar (database versions not stated): gnomAD exomes 0.00108 and 0.00271; ExAC 0.00311; ESP Exome Variant Server 0.00956; gnomAD 0.00962 and 0.01027; 1000 Genomes Project 0.01060; 1000 Genomes Project 30x 0.01061; TOPMed 0.01142.
gnomAD v4.1: 2,317 of 1,206,984 alleles (0.19%); highest among the groups gnomAD compares: African/African-American, 3.4%; 31 homozygotes.

Submissions (6):

Labcorp Genetics (formerly Invitae), Labcorp
Classification: Benign. Last evaluated: 2026-02-03. Review status: criteria provided, single submitter. Criteria: Invitae Variant Classification Sherloc (09022015). Collection method: clinical testing. Allele origin: germline.

GeneDx
Classification: Benign. Last evaluated: 2021-10-04. Review status: criteria provided, single submitter. Criteria: GeneDx Variant Classification Process June 2021. Collection method: clinical testing. Allele origin: germline. Affected: yes.

Athena Diagnostics
Classification: Benign. Last evaluated: 2017-03-29. Review status: criteria provided, single submitter. Criteria: Athena Diagnostics Criteria. Collection method: clinical testing. Allele origin: germline.

Ambry Genetics
Classification: Benign for Inborn genetic diseases. Last evaluated: 2015-11-09. Review status: criteria provided, single submitter. Criteria: Ambry Variant Classification Scheme 2023. Collection method: clinical testing. Allele origin: germline.

Breakthrough Genomics
Classification: Benign. Review status: criteria provided, single submitter. Criteria: ACMG Guidelines, 2015. Collection method: not provided. Allele origin: germline. Inheritance: X-linked inheritance. Affected: yes.

Genetic Services Laboratory, University of Chicago
Classification: Likely benign for AllHighlyPenetrant. Review status: no assertion criteria provided. Collection method: clinical testing. Allele origin: germline. Inheritance: X-linked inheritance. Not counted in ClinVar's aggregate classification.
Comment: Likely benign based on allele frequency in 1000 Genomes Project or ESP global frequency and its presence in a patient with a rare or unrelated disease phenotype. NOT Sanger confirmed.